The following is an entry in ClinVar:

ClinVar aggregate classification (germline): Benign (1 of 4 stars; one submission).

Conditions:
Lynch syndrome 5 (LYNCH5). Also called: Colorectal cancer, hereditary nonpolyposis, type 5; Hereditary non-polyposis colorectal cancer, type 5. Identifiers: Orphanet 144, MedGen C1833477, MONDO:0013710, OMIM 614350. Disease mechanism: loss of function.

Submission:

Myriad Genetics, Inc.
Classification: Benign for Lynch syndrome 5. Last evaluated: 2024-12-19. Review status: criteria provided, single submitter. Criteria: Myriad Autosomal Dominant, Autosomal Recessive and X-Linked Classification Criteria (2023). Collection method: clinical testing. Allele origin: unknown.
Comment: This variant is considered benign. This variant is a silent/synonymous amino acid change and it is not expected to impact splicing.

NM_000179.3(MSH6):c.525A>T (p.Ala175=)

Gene: MSH6 (mutS homolog 6; plus strand). Cytogenetic location: 2p16.3.
Variant type: single nucleotide variant.
Coding change: c.525A>T on transcript NM_000179.3 (MANE Select); coding-DNA position 525, A replaced by T.
Protein change: p.Ala175=; no amino-acid change (alanine 175 retained).
Molecular consequence: synonymous variant. On other transcripts: 5 prime UTR variant (5), non-coding transcript variant (5), intron variant (8).
Genome position (GRCh38, 1-based): chr2:47,795,961, A>T. VCF-style: chr2-47795961-A-T. GRCh37 (hg19) VCF-style: chr2-48023100-A-T.
Other names: c.-378A>T (NM_001281494.2); c.621A>T, p.Ala207= (NM_001406795.1, NM_001406802.1); c.525A>T, p.Ala175= (NM_001406796.1, NM_001406798.1, NM_001406800.1 and 5 more transcripts); c.228A>T, p.Ala76= (NM_001406797.1, NM_001406801.1, NM_001406805.1 and 10 more transcripts); c.-1A>T (NM_001406799.1, NM_001406806.1, NM_001406807.1); c.447A>T, p.Ala149= (NM_001406804.1); c.531A>T, p.Ala177= (NM_001406813.1); c.-470A>T (NM_001406814.1); and 3 more.
Identifiers: ClinVar variation 3903872 (VCV003903872.1).
Genomic context (GRCh38, chr2:47,795,961, plus strand): 5'-ATCAAAGGAAGCCCAGAAGGGAGGTCATTTTTACAGTGCAAAGCCTGAAATACTGAGAGC[A>T]ATGCAACGTGCAGATGAAGCCTTAAATAAAGACAAGATTAAGAGGCTTGAATTGGCAGTT-3'
Protein context (NP_000170.1, residues 165-185): FYSAKPEILR[Ala175=]MQRADEALNK